The following is an entry in ClinVar:

ClinVar aggregate classification (germline): Uncertain significance (1 of 4 stars; one submission).

Conditions:
ASIP-related condition.

gnomAD v4.1: 3 of 1,560,054 alleles (0.00019%); highest among the groups gnomAD compares: African/African-American, 0.0027%; no homozygotes.

Submission:

PreventionGenetics, part of Exact Sciences
Classification: Uncertain significance for ASIP-related condition. Last evaluated: 2026-05-21. Review status: criteria provided, single submitter. Criteria: ACMG Guidelines, 2015. Collection method: clinical testing. Allele origin: germline.
Comment: The ASIP c.350G>A variant is predicted to result in the amino acid substitution p.Arg117His. To our knowledge, this variant has not been reported to be associated with obesity in the literature. This variant is reported in 0.013% of alleles in individuals of African descent in gnomAD. At this time, the clinical significance of this variant is uncertain due to the absence of conclusive functional and genetic evidence.

NM_001672.3(ASIP):c.350G>A (p.Arg117His)

Genes: AHCY (adenosylhomocysteinase; minus strand), ASIP (agouti signaling protein; plus strand). Cytogenetic location: 20q11.22.
Variant type: single nucleotide variant.
Coding change: c.350G>A on transcript NM_001672.3 (MANE Select); coding-DNA position 350, G replaced by A.
Protein change: p.Arg117His; replaces arginine 117 with histidine.
Molecular consequence: missense variant.
Genome position (GRCh38, 1-based): chr20:34,269,118, G>A. VCF-style: chr20-34269118-G-A. GRCh37 (hg19) VCF-style: chr20-32856924-G-A.
Other names: c.350G>A, p.Arg117His (NM_001385218.1); short protein forms R117H.
Identifiers: ClinVar variation 4989050 (VCV004989050.1).